The following is an entry in ClinVar:

ClinVar aggregate classification (germline): Uncertain significance (1 of 4 stars; one submission).

Conditions:
Joubert syndrome. Also called: CEREBELLOPARENCHYMAL DISORDER IV; JOUBERT-BOLTSHAUSER SYNDROME; Familial aplasia of the vermis. Identifiers: Orphanet 475, MedGen C5979921, MONDO:0018772.
Meckel-Gruber syndrome. Also called: DYSENCEPHALIA SPLANCHNOCYSTICA; GRUBER SYNDROME; Dysencephalia splachnocystica. Identifiers: Orphanet 564, MedGen C0265215, MONDO:0018921.

Allele frequency attached by ClinVar (database versions not stated): gnomAD exomes below 0.00001.
gnomAD v4.1: 1 of 1,613,948 alleles (0.000062%); highest among the groups gnomAD compares: South Asian, 0.0011%; no homozygotes.

Submission:

Labcorp Genetics (formerly Invitae), Labcorp
Classification: Uncertain significance for Joubert syndrome; Meckel-Gruber syndrome. Last evaluated: 2022-09-22. Review status: criteria provided, single submitter. Criteria: Invitae Variant Classification Sherloc (09022015). Collection method: clinical testing. Allele origin: germline.
Comment: This sequence change replaces glutamine, which is neutral and polar, with histidine, which is basic and polar, at codon 681 of the TMEM67 protein (p.Gln681His). This variant is not present in population databases (gnomAD no frequency). This variant has not been reported in the literature in individuals affected with TMEM67-related conditions. Advanced modeling of protein sequence and biophysical properties (such as structural, functional, and spatial information, amino acid conservation, physicochemical variation, residue mobility, and thermodynamic stability) performed at Invitae indicates that this missense variant is expected to disrupt TMEM67 protein function. In summary, the available evidence is currently insufficient to determine the role of this variant in disease. Therefore, it has been classified as a Variant of Uncertain Significance.

NM_153704.6(TMEM67):c.2043G>T (p.Gln681His)

Gene: TMEM67 (transmembrane protein 67; plus strand). Cytogenetic location: 8q22.1.
Variant type: single nucleotide variant.
Coding change: c.2043G>T on transcript NM_153704.6 (MANE Select); coding-DNA position 2043, G replaced by T.
Protein change: p.Gln681His; replaces glutamine 681 with histidine.
Molecular consequence: missense variant. On other transcripts: non-coding transcript variant (1).
Genome position (GRCh38, 1-based): chr8:93,797,413, G>T. VCF-style: chr8-93797413-G-T. GRCh37 (hg19) VCF-style: chr8-94809641-G-T.
Other names: c.1800G>T, p.Gln600His (NM_001142301.1); short protein forms Q600H, Q681H.
Identifiers: ClinVar variation 1980091 (VCV001980091.1), dbSNP rs2536904556, ClinGen allele CA371693884.